The following is an entry in ClinVar:

NM_016562.4(TLR7):c.1112G>C (p.Ser371Thr)

Gene: TLR7 (toll like receptor 7; plus strand). Cytogenetic location: Xp22.2.
Variant type: single nucleotide variant.
Coding change: c.1112G>C on transcript NM_016562.4 (MANE Select); coding-DNA position 1112, G replaced by C.
Protein change: p.Ser371Thr; replaces serine 371 with threonine.
Molecular consequence: missense variant.
Genome position (GRCh38, 1-based): chrX:12,886,620, G>C. VCF-style: chrX-12886620-G-C. GRCh37 (hg19) VCF-style: chrX-12904739-G-C.
Other names: short protein forms S371T.
Identifiers: ClinVar variation 2101089 (VCV002101089.4), dbSNP rs1453584223, ClinGen allele CA412406592.

ClinVar aggregate classification (germline): Uncertain significance (1 of 4 stars; one submission).

Submission:

Labcorp Genetics (formerly Invitae), Labcorp
Classification: Uncertain significance. Last evaluated: 2022-08-09. Review status: criteria provided, single submitter. Criteria: Invitae Variant Classification Sherloc (09022015). Collection method: clinical testing. Allele origin: germline.
Comment: In summary, the available evidence is currently insufficient to determine the role of this variant in disease. Therefore, it has been classified as a Variant of Uncertain Significance. Algorithms developed to predict the effect of missense changes on protein structure and function (SIFT, PolyPhen-2, Align-GVGD) all suggest that this variant is likely to be tolerated. This variant has not been reported in the literature in individuals affected with TLR7-related conditions. This variant is not present in population databases (gnomAD no frequency). This sequence change replaces serine, which is neutral and polar, with threonine, which is neutral and polar, at codon 371 of the TLR7 protein (p.Ser371Thr).